The following is an entry in ClinVar:

ClinVar aggregate classification (germline): Uncertain significance (1 of 4 stars; one submission).

Conditions:
Desmin-related myofibrillar myopathy (MFM1). Also called: Desminopathy; Desmin related myopathy (former name); Desmin storage myopathy (former name); Myofibrillar myopathy 1; MYOFIBRILLAR MYOPATHY WITH ARRHYTHMOGENIC RIGHT VENTRICULAR CARDIOMYOPATHY; DESMIN-RELATED MYOPATHY WITH ARRHYTHMOGENIC RIGHT VENTRICULAR CARDIOMYOPATHY. Identifiers: Orphanet 363543, Orphanet 98909, MedGen C1832370, MONDO:0011076, OMIM 601419.

Submission:

Victorian Clinical Genetics Services, Murdoch Childrens Research Institute
Classification: Uncertain significance for Desmin-related myofibrillar myopathy. Last evaluated: 2026-05-20. Review status: criteria provided, single submitter. Criteria: ACMG Guidelines, 2015. Collection method: clinical testing. Allele origin: germline. Affected: yes.
Comment: This variant is classified as VUS-3A. Evidence in support of pathogenic classification: Variant is absent from gnomAD (v2, v3 and v4); Additional information: Variant is predicted to result in a missense amino acid change from Glu to Asp; This variant is heterozygous; This gene is associated with both recessive and dominant disease. The majority of disease-associated DES variants exhibit autosomal dominant inheritance, with rare cases of biallelic variants reported for myopathy (PMID: 29926427); This variant has no previous evidence of pathogenicity; No published evidence of segregation with disease has been identified for this variant; No published functional evidence has been identified for this variant; Another missense variant comparable to the one identified in this case has inconclusive previous evidence for pathogenicity. The p.(Glu114Gly) variant has been classified as a VUS by a clinical laboratory in ClinVar; Variant is located in the annotated filament domain (DECIPHER); Missense variant with inconclusive in silico prediction and/or uninformative conservation; Dominant negative and loss of function are known mechanisms of disease in this gene and are associated with dilated cardiomyopathy 1I (MIM#604765), myofibrillar myopathy 1 (MIM#601419), Kaeser type neurogenic scapuloperoneal syndrome (MIM#181400), and arrhythmogenic right ventricular cardiomyopathy (MONDO:0016587), DES-related (PMIDs: 29926427, 33373648).

Literature cited by the submitters: PubMed 29926427; PubMed 33373648.

NM_001927.4(DES):c.342G>T (p.Glu114Asp)

Gene: DES (desmin; plus strand). Cytogenetic location: 2q35.
Variant type: single nucleotide variant.
Coding change: c.342G>T on transcript NM_001927.4 (MANE Select); coding-DNA position 342, G replaced by T.
Protein change: p.Glu114Asp; replaces glutamic acid 114 with aspartic acid.
Molecular consequence: missense variant.
Genome position (GRCh38, 1-based): chr2:219,418,804, G>T. VCF-style: chr2-219418804-G-T. GRCh37 (hg19) VCF-style: chr2-220283526-G-T.
Other names: c.342G>T, p.Glu114Asp (NM_001382709.1, NM_001382710.1, NM_001382711.1 and 3 more transcripts); short protein forms E114D.
Identifiers: ClinVar variation 4879681 (VCV004879681.1).